The following is an entry in ClinVar:

NM_001042681.2(RERE):c.3925ATCCGAGAGCGGGAG[3] (p.Glu1318_Leu1319insIleArgGluArgGlu)

Gene: RERE (arginine-glutamic acid dipeptide repeats; minus strand). Cytogenetic location: 1p36.23.
Variant type: Microsatellite.
Coding change: c.3925ATCCGAGAGCGGGAG[3] on transcript NM_001042681.2 (MANE Select); three copies in a row of the 15-base unit ATCCGAGAGCGGGAG starting at c.3925; the reference has two copies in a row; one copy, 15 bases duplicated.
Protein change: p.Glu1318_Leu1319insIleArgGluArgGlu.
Molecular consequence: inframe insertion.
Genome position (GRCh38, 1-based): chr1:8,358,581-8,358,595, CTCCCGCTCTCGGAT duplicated on the plus strand (ATCCGAGAGCGGGAG on the coding strand, the reverse complement: RERE is on the minus strand); duplicating any 15 consecutive bases within chr1:8,358,581-8,358,619 gives the same sequence; the position shown is the placement nearest the transcript's 3' end. VCF-style (leftmost placement, unchanged base first): chr1-8358580-G-GCTCCCGCTCTCGGAT. GRCh37 (hg19) VCF-style: chr1-8418640-G-GCTCCCGCTCTCGGAT.
Other names: c.2263ATCCGAGAGCGGGAG[3], p.Glu764_Leu765insIleArgGluArgGlu (NM_001042682.2); c.3925ATCCGAGAGCGGGAG[3], p.Glu1318_Leu1319insIleArgGluArgGlu (NM_012102.4); c.3940_3954dup15 (NM_012102.3).
Identifiers: ClinVar variation 2179337 (VCV002179337.5), dbSNP rs776543471, ClinGen allele CA570936.

ClinVar aggregate classification (germline): Uncertain significance. Review status: criteria provided, single submitter (1 of 4 stars). 2 submissions from 2 submitters: Uncertain significance (1). 1 of the submissions does not count toward it. Last evaluated 2024-11-29.

Conditions:
RERE-related disorder. Also called: RERE-related condition; RERE-Related Disorders. Identifiers: MedGen CN381537.

Submissions (2):

Labcorp Genetics (formerly Invitae), Labcorp
Classification: Uncertain significance. Last evaluated: 2024-11-29. Review status: criteria provided, single submitter. Criteria: Invitae Variant Classification Sherloc (09022015). Collection method: clinical testing. Allele origin: germline.
Comment: This variant, c.3940_3954dup, results in the insertion of 5 amino acid(s) of the RERE protein (p.Ile1314_Glu1318dup), but otherwise preserves the integrity of the reading frame. This variant is present in population databases (rs759228432, gnomAD 0.006%). This variant has not been reported in the literature in individuals affected with RERE-related conditions. In summary, the available evidence is currently insufficient to determine the role of this variant in disease. Therefore, it has been classified as a Variant of Uncertain Significance.

PreventionGenetics, part of Exact Sciences
Classification: Uncertain significance for RERE-related condition. Last evaluated: 2024-03-20. Review status: no assertion criteria provided. Collection method: clinical testing. Allele origin: germline. Not counted in ClinVar's aggregate classification.
Comment: The RERE c.3940_3954dup15 variant is predicted to result in an in-frame duplication (p.Ile1314_Glu1318dup). To our knowledge, this variant has not been reported in the literature. This variant is reported in 0.0055% of alleles in individuals of East Asian descent in gnomAD. At this time, the clinical significance of this variant is uncertain due to the absence of conclusive functional and genetic evidence.